The following is an entry in ClinVar:

NM_001791.4(CDC42):c.476C>T (p.Ala159Val)

Gene: CDC42 (cell division cycle 42; plus strand). Cytogenetic location: 1p36.12.
Variant type: single nucleotide variant.
Coding change: c.476C>T on transcript NM_001791.4 (MANE Select); coding-DNA position 476, C replaced by T.
Protein change: p.Ala159Val; replaces alanine 159 with valine.
Molecular consequence: missense variant.
Genome position (GRCh38, 1-based): chr1:22,086,856, C>T. VCF-style: chr1-22086856-C-T. GRCh37 (hg19) VCF-style: chr1-22413349-C-T.
Other names: c.476C>T, p.Ala159Val (NM_001039802.2, NM_044472.3); short protein forms A159V.
Identifiers: ClinVar variation 487653 (VCV000487653.8), dbSNP rs1553196134, ClinGen allele CA338907977.
Genomic context (GRCh38, chr1:22,086,856, plus strand): 5'-CAGAGACTGCTGAAAAGCTGGCCCGTGACCTGAAGGCTGTCAAGTATGTGGAGTGTTCTG[C>T]ACTTACACAGGTAAGAATGGCATGAAACCCCATGTGTATTTATGGTCGAGTCATTTATTA-3'
Protein context (NP_001782.1, residues 149-169): LKAVKYVECS[Ala159Val]LTQKGLKNVF

ClinVar aggregate classification (germline): Pathogenic. Review status: criteria provided, multiple submitters, no conflicts (2 of 4 stars). 4 submissions from 4 submitters: Pathogenic (3). 1 of the submissions does not count toward it. Last evaluated 2022-11-03.

Conditions:
Neurodevelopmental abnormality. Identifiers: MedGen C4022737, HP:0012759.
Postnatal growth retardation. Identifiers: MedGen C1859778, HP:0008897.
Abnormal facial shape. Also called: Dysmorphic facial features; Dysmorphic facies. Identifiers: MedGen C0424503, HP:0001999.
Abnormality of blood and blood-forming tissues. Identifiers: MedGen C0850715, HP:0001871.
Abnormality of the immune system. Identifiers: MedGen C4021753, HP:0002715.

Submissions (4):

GeneDx
Classification: Pathogenic. Last evaluated: 2022-11-03. Review status: criteria provided, single submitter. Criteria: GeneDx Variant Classification Process June 2021. Collection method: clinical testing. Allele origin: germline. Affected: yes.
Comment: Functional studies demonstrate increased basal GTP hydrolysis compared to wild-type, indicating that this is likely a gain of function variant (Martinelli et al., 2018); In silico analysis supports that this missense variant has a deleterious effect on protein structure/function; Not observed in large population cohorts (gnomAD); This variant is associated with the following publications: (PMID: 29394990)

Labcorp Genetics (formerly Invitae), Labcorp
Classification: Pathogenic. Last evaluated: 2022-07-27. Review status: criteria provided, single submitter. Criteria: Invitae Variant Classification Sherloc (09022015). Collection method: clinical testing. Allele origin: germline.
Comment: For these reasons, this variant has been classified as Pathogenic. Experimental studies have shown that this missense change affects CDC42 function (PMID: 29394990). Algorithms developed to predict the effect of missense changes on protein structure and function are either unavailable or do not agree on the potential impact of this missense change (SIFT: "Tolerated"; PolyPhen-2: "Probably Damaging"; Align-GVGD: "Class C0"). ClinVar contains an entry for this variant (Variation ID: 487653). This missense change has been observed in individual(s) with clinical features of CDC42-related conditions (PMID: 29394990). In at least one individual the variant was observed to be de novo. This variant is not present in population databases (gnomAD no frequency). This sequence change replaces alanine, which is neutral and non-polar, with valine, which is neutral and non-polar, at codon 159 of the CDC42 protein (p.Ala159Val).

Tartaglia Lab, Genetics and Rare Diseases Research Division, Bambino Gesu' Children's Hospital
Classification: Pathogenic. Last evaluated: 2017-11-01. Review status: criteria provided, single submitter. Criteria: ACMG Guidelines, 2015. Collection method: research. Allele origin: de novo. Affected: yes.

University of Washington Center for Mendelian Genomics, University of Washington
Classification: Likely pathogenic for Postnatal growth retardation; Abnormal facial shape; Neurodevelopmental abnormality; Abnormality of the immune system; Abnormality of blood and blood-forming tissues. Review status: no assertion criteria provided. Collection method: research. Allele origin: de novo. Affected: yes. Not counted in ClinVar's aggregate classification.

Literature cited by the submitters: PubMed 29394990 (cited by Labcorp Genetics (formerly Invitae), Labcorp and University of Washington Center for Mendelian Genomics, University of Washington).